The following is an entry in ClinVar:

NC_012920.1(MT-TM):m.4456C>T

Gene: MT-TM (mitochondrially encoded tRNA methionine; plus strand).
Variant type: single nucleotide variant.
Genome position: chrM-4456-C-T.
Identifiers: ClinVar variation 689919 (VCV000689919.2), dbSNP rs1603219465, ClinGen allele CA913178231.

ClinVar aggregate classification (germline): Uncertain significance. Review status: criteria provided, multiple submitters, no conflicts (2 of 4 stars). 2 submissions from 2 submitters: Uncertain significance (2). Last evaluated 2022-05-27.

Conditions:
MELAS syndrome (MELAS). Also called: Juvenile myopathy, encephalopathy, lactic acidosis, stroke. Identifiers: Orphanet 550, MedGen C0162671, MONDO:0010789, OMIM 540000.

Submissions (2):

Clinical Genetics Laboratory, Skane University Hospital Lund
Classification: Uncertain significance. Last evaluated: 2022-05-27. Review status: criteria provided, single submitter. Criteria: ACMG Guidelines, 2015. Collection method: clinical testing. Allele origin: germline. Affected: yes.

Wong Mito Lab, Molecular and Human Genetics, Baylor College of Medicine
Classification: Uncertain significance for MELAS syndrome. Last evaluated: 2019-07-12. Review status: criteria provided, single submitter. Criteria: Modified ACMG Guidelines (Unpublished). Collection method: clinical testing. Allele origin: germline.
Comment: The NC_012920.1:m.4456C>T variant in MT-TM gene is interpreted to be a Unknown Significance variant based on the modified ACMG guidelines (unpublished). This variant meets no criteria in the guidelines.

Literature cited by the submitters: PubMed 31965079 (cited by Wong Mito Lab, Molecular and Human Genetics, Baylor College of Medicine).